The following is an entry in ClinVar:

NM_016030.6(TRAPPC12):c.1234G>A (p.Gly412Ser)

Gene: TRAPPC12 (trafficking protein particle complex subunit 12; plus strand). Cytogenetic location: 2p25.3.
Variant type: single nucleotide variant.
Coding change: c.1234G>A on transcript NM_016030.6 (MANE Select); coding-DNA position 1234, G replaced by A.
Protein change: p.Gly412Ser; replaces glycine 412 with serine.
Molecular consequence: missense variant.
Genome position (GRCh38, 1-based): chr2:3,421,950, G>A. VCF-style: chr2-3421950-G-A. GRCh37 (hg19) VCF-style: chr2-3425721-G-A.
Other names: c.1234G>A, p.Gly412Ser (NM_001321102.2); c.1234G>A (NM_016030.5); short protein forms G412S.
Identifiers: ClinVar variation 2736222 (VCV002736222.6), dbSNP rs141230933, ClinGen allele CA1515358.

ClinVar aggregate classification (germline): Likely benign. Review status: criteria provided, multiple submitters, no conflicts (2 of 4 stars). 3 submissions from 3 submitters: Likely benign (2). 1 of the submissions does not count toward it. Last evaluated 2025-10-21.

Conditions:
Inborn genetic diseases. Identifiers: MedGen C0950123, MeSH D030342.
TRAPPC12-related disorder. Also called: TRAPPC12-related condition.

Allele frequency attached by ClinVar (database versions not stated): TOPMed 0.00085; 1000 Genomes Project 0.00100; ESP Exome Variant Server 0.00077; gnomAD 0.00084; 1000 Genomes Project 30x 0.00109; ExAC 0.00032.
gnomAD v4.1: 218 of 1,613,614 alleles (0.014%); highest among the groups gnomAD compares: African/African-American, 0.25%; 1 homozygote.

Submissions (3):

Labcorp Genetics (formerly Invitae), Labcorp
Classification: Likely benign. Last evaluated: 2025-10-21. Review status: criteria provided, single submitter. Criteria: Invitae Variant Classification Sherloc (09022015). Collection method: clinical testing. Allele origin: germline.

Ambry Genetics
Classification: Likely benign for Inborn genetic diseases. Last evaluated: 2024-09-02. Review status: criteria provided, single submitter. Criteria: Ambry Variant Classification Scheme 2023. Collection method: clinical testing. Allele origin: germline.

PreventionGenetics, part of Exact Sciences
Classification: Likely benign for TRAPPC12-related condition. Last evaluated: 2022-02-09. Review status: no assertion criteria provided. Collection method: clinical testing. Allele origin: germline. Not counted in ClinVar's aggregate classification.
Comment: This variant is classified as likely benign based on ACMG/AMP sequence variant interpretation guidelines (Richards et al. 2015 PMID: 25741868, with internal and published modifications).